The following is an entry in ClinVar:

NM_000406.3(GNRHR):c.822T>G (p.Thr274=)

Gene: GNRHR (gonadotropin releasing hormone receptor; minus strand). Cytogenetic location: 4q13.2.
Variant type: single nucleotide variant.
Coding change: c.822T>G on transcript NM_000406.3 (MANE Select); coding-DNA position 822, T replaced by G.
Protein change: p.Thr274=; no amino-acid change (threonine 274 retained).
Molecular consequence: synonymous variant. On other transcripts: missense variant (1).
Genome position (GRCh38, 1-based): chr4:67,740,645, A>C on the plus strand (T>G on the coding strand, the complement: GNRHR is on the minus strand). VCF-style: chr4-67740645-A-C. GRCh37 (hg19) VCF-style: chr4-68606363-A-C.
Other names: c.694T>G, p.Phe232Val (NM_001012763.2); short protein forms F232V.
Identifiers: ClinVar variation 3391433 (VCV003391433.2).

ClinVar aggregate classification (germline): Uncertain significance (1 of 4 stars; one submission).

Conditions:
Hypogonadotropic hypogonadism 7 with or without anosmia (HH7). Also called: GNRHR-Related GnRH Deficiency; HYPOGONADOTROPIC HYPOGONADISM 7 WITHOUT ANOSMIA. Identifiers: Orphanet 432, MedGen C0342384, MONDO:0007794, OMIM 146110.

Submission:

Department of Medical Genomics, Royal Prince Alfred Hospital
Classification: Uncertain significance for Hypogonadotropic hypogonadism 7 with or without anosmia. Last evaluated: 2024-12-20. Review status: criteria provided, single submitter. Criteria: ACMG Guidelines, 2015. Collection method: clinical testing. Allele origin: germline. Inheritance: Autosomal recessive inheritance. Affected: yes. Observed: 1 homozygote.
Comment: This variant is absent in control population database (gnomAD v.4.1.0). The variant is located within the intracellular loop-3 domain, where other pathogenic missense variants causing hypogonadotropic hypogonadism have been reported (PMID: 37958948). In silico analysis was uninformative on the pathogenicity of this variant. It should be noted that this variant is only a missense variant in GNRHR isoform 2 (NM_001012763) but a synonymous variant in isoform 1 (NM_000406), however there is evidence that isoform 2 might act as an inhibitor of GnRH signalling (PMID: 9259321).